The following is an entry in ClinVar:

ClinVar aggregate classification (germline): Pathogenic (1 of 4 stars; one submission).

Submission:

Labcorp Genetics (formerly Invitae), Labcorp
Classification: Pathogenic. Last evaluated: 2022-03-03. Review status: criteria provided, single submitter. Criteria: Invitae Variant Classification Sherloc (09022015). Collection method: clinical testing. Allele origin: germline.
Comment: For these reasons, this variant has been classified as Pathogenic. ClinVar contains an entry for this variant (Variation ID: 971646). This variant has not been reported in the literature in individuals affected with PDE6B-related conditions. The frequency data for this variant in the population databases is considered unreliable, as metrics indicate poor data quality at this position in the gnomAD database. This sequence change creates a premature translational stop signal (p.Leu384Trpfs*26) in the PDE6B gene. It is expected to result in an absent or disrupted protein product. Loss-of-function variants in PDE6B are known to be pathogenic (PMID: 8394174, 8595886, 22334370).

Literature cited by the submitters: PubMed 8394174; PubMed 8595886; PubMed 22334370.

NM_000283.4(PDE6B):c.1150_1186del (p.Leu384fs)

Gene: PDE6B (phosphodiesterase 6B; plus strand). Cytogenetic location: 4p16.3.
Variant type: Deletion.
Coding change: c.1150_1186del on transcript NM_000283.4 (MANE Select); coding-DNA positions 1150 to 1186, 37 bases deleted.
Protein change: p.Leu384fs; shifts the reading frame from leucine 384.
Molecular consequence: frameshift variant. On other transcripts: initiator codon variant (1).
Genome position (GRCh38, 1-based): chr4:656,916-656,952, 37 bases deleted; deleting any 37 consecutive bases within chr4:656,914-656,952 gives the same sequence; the c. name uses the placement nearest the transcript's 3' end. GRCh37 (hg19): chr4:650,705-650,741.
Other names: c.1150_1186del, p.Leu384fs (NM_001145291.2); c.313_349del, p.Leu105fs (NM_001145292.2, NM_001350154.3, NM_001379246.1 and 1 more transcripts); c.-6_31del, p.Met1fs (NM_001350155.3); short protein forms L105fs, L384fs, M1fs.
Identifiers: ClinVar variation 971646 (VCV000971646.9), dbSNP rs754453234, ClinGen allele CA2794375.